The following is an entry in ClinVar:

ClinVar aggregate classification (germline): Pathogenic (1 of 4 stars; one submission).

Conditions:
Pitt-Hopkins syndrome (PTHS). Also called: MENTAL RETARDATION, SYNDROMAL, WITH INTERMITTENT HYPERVENTILATION; ENCEPHALOPATHY, SEVERE EPILEPTIC, WITH AUTONOMIC DYSFUNCTION. Identifiers: Orphanet 2896, MedGen C1970431, MONDO:0012589, OMIM 610954.

Submission:

Labcorp Genetics (formerly Invitae), Labcorp
Classification: Pathogenic for Pitt-Hopkins syndrome. Last evaluated: 2020-01-19. Review status: criteria provided, single submitter. Criteria: Invitae Variant Classification Sherloc (09022015). Collection method: clinical testing. Allele origin: germline.
Comment: This sequence change creates a premature translational stop signal (p.Gln502*) in the TCF4 gene. It is expected to result in an absent or disrupted protein product. This variant is not present in population databases (ExAC no frequency). This variant has not been reported in the literature in individuals with TCF4-related conditions. Loss-of-function variants in TCF4 are known to be pathogenic (PMID: 18728071, 22045651). For these reasons, this variant has been classified as Pathogenic.

Literature cited by the submitters: PubMed 18728071; PubMed 22045651.

NM_001083962.2(TCF4):c.1504C>T (p.Gln502Ter)

Gene: TCF4 (transcription factor 4; minus strand). Cytogenetic location: 18q21.2.
Variant type: single nucleotide variant.
Coding change: c.1504C>T on transcript NM_001083962.2 (MANE Select); coding-DNA position 1504, C replaced by T.
Protein change: p.Gln502Ter; replaces glutamine 502 with a stop codon.
Molecular consequence: nonsense.
Genome position (GRCh38, 1-based): chr18:55,232,654, G>A on the plus strand (C>T on the coding strand, the complement: TCF4 is on the minus strand). VCF-style: chr18-55232654-G-A. GRCh37 (hg19) VCF-style: chr18-52899885-G-A.
Other names: c.1810C>T, p.Gln604Ter (NM_001243226.3); c.1432C>T, p.Gln478Ter (NM_001243227.2, NM_001306207.1, NM_001348218.2 and 5 more transcripts); c.1522C>T, p.Gln508Ter (NM_001243228.2); c.1495C>T, p.Gln499Ter (NM_001243230.2); c.1378C>T, p.Gln460Ter (NM_001243231.2, NM_001348211.2); c.1291C>T, p.Gln431Ter (NM_001243232.1, NM_001306208.1); c.1114C>T, p.Gln372Ter (NM_001243233.2, NM_001330605.3, NM_001348212.2 and 1 more transcripts); c.1024C>T, p.Gln342Ter (NM_001243234.2, NM_001243235.2, NM_001243236.2 and 1 more transcripts); and 6 more; short protein forms Q286*, Q341*, Q342*, Q372*, Q431*, Q460*, Q477*, Q478*.
Identifiers: ClinVar variation 1072137 (VCV001072137.7), dbSNP rs1555718410, ClinGen allele CA402530231.
Genomic context (GRCh38, chr18:55,232,654, plus strand): 5'-TCTCATCACCCTCGTCATCGGATTTGATCTCAGAGCTGCCAGAGGAGACACTCTGCCCCT[G>A]TAGTCCTGGTGGCATGCCTGCCGAAAAAGAGAAATCAGGTGACATGTACACCACAATCTC-3'